The following is an entry in ClinVar:

NM_001903.5(CTNNA1):c.1423C>G (p.Pro475Ala)

Gene: CTNNA1 (catenin alpha 1; plus strand). Cytogenetic location: 5q31.2.
Variant type: single nucleotide variant.
Coding change: c.1423C>G on transcript NM_001903.5 (MANE Select); coding-DNA position 1423, C replaced by G.
Protein change: p.Pro475Ala; replaces proline 475 with alanine.
Molecular consequence: missense variant. On other transcripts: 5 prime UTR variant (5).
Genome position (GRCh38, 1-based): chr5:138,917,775, C>G. VCF-style: chr5-138917775-C-G. GRCh37 (hg19) VCF-style: chr5-138253464-C-G.
Other names: c.1423C>G, p.Pro475Ala (NM_001290307.3, NM_001323982.2, NM_001323983.1 and 2 more transcripts); c.1114C>G, p.Pro372Ala (NM_001290309.3); c.1054C>G, p.Pro352Ala (NM_001290310.3); c.313C>G, p.Pro105Ala (NM_001290312.1, NM_001323987.1, NM_001323998.1 and 17 more transcripts); c.1330C>G, p.Pro444Ala (NM_001323986.2); c.-27C>G (NM_001324006.1, NM_001324007.1, NM_001324008.1 and 2 more transcripts); c.220C>G, p.Pro74Ala (NM_001324011.1); c.70C>G, p.Pro24Ala (NM_001324012.1, NM_001324013.1); short protein forms P105A, P352A, P24A, P372A, P475A, P74A, P444A.
Identifiers: ClinVar variation 2836885 (VCV002836885.3), dbSNP rs1183219056, ClinGen allele CA361137147.
Genomic context (GRCh38, chr5:138,917,775, plus strand): 5'-AACAGTGAAGTTTAATATCTTTTGCAGGTTATTAATGCTGCACTGGCTTTAGCAGCAAAA[C>G]CACAGAGTAAACTGGCCCAAGAGAACATGGATCTTTTTAAAGAACAATGGGAAAAACAAG-3'
Protein context (NP_001894.2, residues 465-485): INAALALAAK[Pro475Ala]QSKLAQENMD

ClinVar aggregate classification (germline): Uncertain significance (1 of 4 stars; one submission).

Allele frequency attached by ClinVar (database versions not stated): TOPMed below 0.00001.

Submission:

Labcorp Genetics (formerly Invitae), Labcorp
Classification: Uncertain significance. Last evaluated: 2023-02-14. Review status: criteria provided, single submitter. Criteria: Invitae Variant Classification Sherloc (09022015). Collection method: clinical testing. Allele origin: germline.
Comment: In summary, the available evidence is currently insufficient to determine the role of this variant in disease. Therefore, it has been classified as a Variant of Uncertain Significance. Advanced modeling of protein sequence and biophysical properties (such as structural, functional, and spatial information, amino acid conservation, physicochemical variation, residue mobility, and thermodynamic stability) performed at Invitae indicates that this missense variant is not expected to disrupt CTNNA1 protein function. This variant has not been reported in the literature in individuals affected with CTNNA1-related conditions. This variant is not present in population databases (gnomAD no frequency). This sequence change replaces proline, which is neutral and non-polar, with alanine, which is neutral and non-polar, at codon 475 of the CTNNA1 protein (p.Pro475Ala).